The following is an entry in ClinVar:

NM_000481.4(AMT):c.961G>C (p.Val321Leu)

Gene: AMT (aminomethyltransferase; minus strand). Cytogenetic location: 3p21.31.
Variant type: single nucleotide variant.
Coding change: c.961G>C on transcript NM_000481.4 (MANE Select); coding-DNA position 961, G replaced by C.
Protein change: p.Val321Leu; replaces valine 321 with leucine.
Molecular consequence: missense variant. On other transcripts: non-coding transcript variant (1).
Genome position (GRCh38, 1-based): chr3:49,417,890, C>G on the plus strand (G>C on the coding strand, the complement: AMT is on the minus strand). VCF-style: chr3-49417890-C-G. GRCh37 (hg19) VCF-style: chr3-49455323-C-G.
Other names: c.829G>C, p.Val277Leu (NM_001164710.2); c.793G>C, p.Val265Leu (NM_001164711.2); c.961G>C, p.Val321Leu (NM_001164712.2); short protein forms V265L, V321L, V277L.
Identifiers: ClinVar variation 1974937 (VCV001974937.2), dbSNP rs149457059, ClinGen allele CA352789476.

ClinVar aggregate classification (germline): Uncertain significance (1 of 4 stars; one submission).

Conditions:
Glycine encephalopathy. Also called: Nonketotic hyperglycinemia; Non-ketotic hyperglycinemia. Identifiers: Orphanet 407, MedGen C0751748, MONDO:0011612, HP:0008288.

Submission:

Labcorp Genetics (formerly Invitae), Labcorp
Classification: Uncertain significance for Glycine encephalopathy. Last evaluated: 2022-02-22. Review status: criteria provided, single submitter. Criteria: Invitae Variant Classification Sherloc (09022015). Collection method: clinical testing. Allele origin: germline.
Comment: This sequence change replaces valine, which is neutral and non-polar, with leucine, which is neutral and non-polar, at codon 321 of the AMT protein (p.Val321Leu). This variant is not present in population databases (gnomAD no frequency). This variant has not been reported in the literature in individuals affected with AMT-related conditions. Algorithms developed to predict the effect of missense changes on protein structure and function (SIFT, PolyPhen-2, Align-GVGD) all suggest that this variant is likely to be disruptive. In summary, the available evidence is currently insufficient to determine the role of this variant in disease. Therefore, it has been classified as a Variant of Uncertain Significance.